The following is an entry in ClinVar:

NM_001035.3(RYR2):c.4517A>C (p.Glu1506Ala)

Gene: RYR2 (ryanodine receptor 2; plus strand). Cytogenetic location: 1q43.
Variant type: single nucleotide variant.
Coding change: c.4517A>C on transcript NM_001035.3 (MANE Select); coding-DNA position 4517, A replaced by C.
Protein change: p.Glu1506Ala; replaces glutamic acid 1506 with alanine.
Molecular consequence: missense variant.
Genome position (GRCh38, 1-based): chr1:237,595,578, A>C. VCF-style: chr1-237595578-A-C. GRCh37 (hg19) VCF-style: chr1-237758878-A-C.
Other names: short protein forms E1506A.
Identifiers: ClinVar variation 3072822 (VCV003072822.1), dbSNP rs1559085585, ClinGen allele CA345400463.

ClinVar aggregate classification (germline): Uncertain significance (1 of 4 stars; one submission).

Conditions:
Catecholaminergic polymorphic ventricular tachycardia (CVPT). Also called: Catecholamine-induced polymorphic ventricular tachycardia. Identifiers: Orphanet 3286, MedGen C5574922, MONDO:0017990.

Allele frequency attached by ClinVar (database versions not stated): gnomAD exomes below 0.00001.
gnomAD v4.1: 1 of 1,613,564 alleles (0.000062%); highest among the groups gnomAD compares: Non-Finnish European, 0.000085%; no homozygotes.

Submission:

All of Us Research Program, National Institutes of Health
Classification: Uncertain significance for Catecholaminergic polymorphic ventricular tachycardia. Last evaluated: 2023-08-15. Review status: criteria provided, single submitter. Criteria: ACMG Guidelines, 2015. Collection method: clinical testing. Allele origin: germline. Inheritance: Autosomal dominant inheritance. Observed: 1 variant allele, 1 heterozygote.
Comment: This study involves interpretation of variants in research participants for the purpose of population health screening. Participant phenotype was not available at the time of variant classification. Additional details can be found in publication PMID: 35346344, PMCID: PMC8962531